The following is an entry in ClinVar:

ClinVar aggregate classification (germline): Benign (1 of 4 stars; one submission).

Allele frequency attached by ClinVar (database versions not stated): gnomAD exomes 0.00057; ExAC 0.00066; gnomAD 0.00066; TOPMed 0.00072; ESP Exome Variant Server 0.00074; 1000 Genomes Project 0.00100; 1000 Genomes Project 30x 0.00109.
gnomAD v4.1: 938 of 1,614,028 alleles (0.058%); highest among the groups gnomAD compares: Middle Eastern, 0.2%; 3 homozygotes.

Submission:

CeGaT Center for Human Genetics Tuebingen
Classification: Benign. Last evaluated: 2022-08-01. Review status: criteria provided, single submitter. Criteria: CeGaT Center For Human Genetics Tuebingen Variant Classification Criteria Version 2. Collection method: clinical testing. Allele origin: germline. Affected: yes. Observed: 1 variant allele.
Comment: MACF1: BS1, BS2

NM_001394062.1(MACF1):c.15817-9957G>A

Genes: KIAA0754 (KIAA0754; plus strand), MACF1 (microtubule actin crosslinking factor 1; plus strand). Cytogenetic location: 1p34.3.
Variant type: single nucleotide variant.
Coding change: c.15817-9957G>A on transcript NM_001394062.1 (MANE Select); 9957 bases into the intron before coding-DNA position 15817, G replaced by A.
Molecular consequence: intron variant. On other transcripts: missense variant (1).
Genome position (GRCh38, 1-based): chr1:39,412,417, G>A. VCF-style: chr1-39412417-G-A. GRCh37 (hg19) VCF-style: chr1-39878089-G-A.
Other names: c.2152G>A, p.Asp718Asn (NM_001397473.1); c.9631-9957G>A (NM_012090.5); short protein forms D718N.
Identifiers: ClinVar variation 2638706 (VCV002638706.24), dbSNP rs199527234, ClinGen allele CA782817.
Genomic context (GRCh38, chr1:39,412,417, plus strand): 5'-CTGACATCAATGGGAAATGTGGTCACTTGTGAATTGTCTGTGGAGAAAGTTTGTGATGAG[G>A]ATGGTGAGGCAAAAGAGCTGGATTATCAAGCCACACTTTTGGAGGATCAAGCTCCAGCAC-3'